The following is an entry in ClinVar:

ClinVar aggregate classification (germline): Conflicting classifications of pathogenicity. Review status: criteria provided, conflicting classifications (1 of 4 stars). 2 submissions from 2 submitters: Likely pathogenic (1); Uncertain significance (1). Last evaluated 2025-09-14.

Conditions:
Alport syndrome. Also called: Hemorrhagic familial nephritis; Hemorrhagic hereditary nephritis; Congenital hereditary hematuria. Identifiers: Orphanet 63, MedGen C1567741, MONDO:0018965.

Submissions (2):

Natera, Inc.
Classification: Likely pathogenic for Alport syndrome. Last evaluated: 2025-09-14. Review status: criteria provided, single submitter. Criteria: Natera Variant Classification Schema (03/2026). Collection method: clinical testing. Allele origin: germline.
Comment: The c.2525G>A variant in COL4A3 is a missense variant predicted to cause substitution of glycine to glutamic acid at amino acid 842. This variant is rare in the general population with a frequency below the threshold expected for the associated phenotype(s). This variant has been observed to segregate in affected family members (PMID: 35090027). This variant is located in a functionally critical region of the protein. Computational prediction algorithms indicate this variant is likely to affect gene or protein function. Given the available evidence, this variant is classified as Likely Pathogenic.

Labcorp Genetics (formerly Invitae), Labcorp
Classification: Uncertain significance. Last evaluated: 2022-09-15. Review status: criteria provided, single submitter. Criteria: Invitae Variant Classification Sherloc (09022015). Collection method: clinical testing. Allele origin: germline.
Comment: In summary, the available evidence is currently insufficient to determine the role of this variant in disease. Therefore, it has been classified as a Variant of Uncertain Significance. This sequence change replaces glycine, which is neutral and non-polar, with glutamic acid, which is acidic and polar, at codon 842 of the COL4A3 protein (p.Gly842Glu). This variant is not present in population databases (gnomAD no frequency). This variant has not been reported in the literature in individuals affected with COL4A3-related conditions. Advanced modeling of protein sequence and biophysical properties (such as structural, functional, and spatial information, amino acid conservation, physicochemical variation, residue mobility, and thermodynamic stability) performed at Invitae indicates that this missense variant is expected to disrupt COL4A3 protein function.

Literature cited by the submitters: PubMed 35090027 (cited by Natera, Inc.).

NM_000091.5(COL4A3):c.2525G>A (p.Gly842Glu)

Genes: COL4A3 (collagen type IV alpha 3 chain; plus strand), MFF-DT (MFF divergent transcript; minus strand). Cytogenetic location: 2q36.3.
Variant type: single nucleotide variant.
Coding change: c.2525G>A on transcript NM_000091.5 (MANE Select); coding-DNA position 2525, G replaced by A.
Protein change: p.Gly842Glu; replaces glycine 842 with glutamic acid.
Molecular consequence: missense variant.
Genome position (GRCh38, 1-based): chr2:227,282,401, G>A. VCF-style: chr2-227282401-G-A. GRCh37 (hg19) VCF-style: chr2-228147117-G-A.
Other names: short protein forms G842E.
Identifiers: ClinVar variation 1719527 (VCV001719527.6), dbSNP rs2469769394, ClinGen allele CA350850198.